The following is an entry in ClinVar:

ClinVar aggregate classification (germline): Uncertain significance. Review status: criteria provided, multiple submitters, no conflicts (2 of 4 stars). 2 submissions from 2 submitters: Uncertain significance (2). Last evaluated 2023-09-20.

Conditions:
Inborn genetic diseases. Identifiers: MedGen C0950123, MeSH D030342.
Infantile neuroaxonal dystrophy (NBIA2A). Also called: NEURODEGENERATION WITH BRAIN IRON ACCUMULATION 2A; SEITELBERGER DISEASE; Infantile neuroaxonal dystrophy 1. Identifiers: Orphanet 35069, MedGen C0270724, MONDO:0024457, OMIM 256600.

Allele frequency attached by ClinVar (database versions not stated): TOPMed below 0.00001.
gnomAD v4.1: 1 of 1,595,854 alleles (0.000063%); highest among the groups gnomAD compares: Non-Finnish European, 0.000085%; no homozygotes.

Submissions (2):

Ambry Genetics
Classification: Uncertain significance for Inborn genetic diseases. Last evaluated: 2023-09-20. Review status: criteria provided, single submitter. Criteria: Ambry Variant Classification Scheme 2023. Collection method: clinical testing. Allele origin: germline.

Labcorp Genetics (formerly Invitae), Labcorp
Classification: Uncertain significance for Infantile neuroaxonal dystrophy. Last evaluated: 2022-06-27. Review status: criteria provided, single submitter. Criteria: Invitae Variant Classification Sherloc (09022015). Collection method: clinical testing. Allele origin: germline.
Comment: This sequence change replaces serine, which is neutral and polar, with cysteine, which is neutral and slightly polar, at codon 263 of the PLA2G6 protein (p.Ser263Cys). This variant is not present in population databases (gnomAD no frequency). This variant has not been reported in the literature in individuals affected with PLA2G6-related conditions. Advanced modeling of protein sequence and biophysical properties (such as structural, functional, and spatial information, amino acid conservation, physicochemical variation, residue mobility, and thermodynamic stability) performed at Invitae indicates that this missense variant is not expected to disrupt PLA2G6 protein function. In summary, the available evidence is currently insufficient to determine the role of this variant in disease. Therefore, it has been classified as a Variant of Uncertain Significance.

NM_003560.4(PLA2G6):c.788C>G (p.Ser263Cys)

Gene: PLA2G6 (phospholipase A2 group VI; minus strand). Cytogenetic location: 22q13.1.
Variant type: single nucleotide variant.
Coding change: c.788C>G on transcript NM_003560.4 (MANE Select); coding-DNA position 788, C replaced by G.
Protein change: p.Ser263Cys; replaces serine 263 with cysteine.
Molecular consequence: missense variant. On other transcripts: intron variant (1).
Genome position (GRCh38, 1-based): chr22:38,139,991, G>C on the plus strand (C>G on the coding strand, the complement: PLA2G6 is on the minus strand). VCF-style: chr22-38139991-G-C. GRCh37 (hg19) VCF-style: chr22-38535998-G-C.
Other names: c.788C>G, p.Ser263Cys (NM_001349865.2, NM_001349866.2, NM_001004426.3 and 2 more transcripts); c.254C>G, p.Ser85Cys (NM_001349867.2, NM_001349869.2); c.119+3114C>G (NM_001349868.2); c.788C>G (NM_003560.2); short protein forms S263C, S85C.
Identifiers: ClinVar variation 1523246 (VCV001523246.6), dbSNP rs2088801084, ClinGen allele CA411531244.